The following is an entry in ClinVar:

ClinVar aggregate classification (germline): Pathogenic (1 of 4 stars; one submission).

Conditions:
PKD2-related disorder. Also called: PKD2-related condition.

Submission:

PreventionGenetics, part of Exact Sciences
Classification: Pathogenic for PKD2-related condition. Last evaluated: 2025-01-10. Review status: criteria provided, single submitter. Criteria: ACMG Guidelines, 2015. Collection method: clinical testing. Allele origin: germline.
Comment: The PKD2 c.948delA variant is predicted to result in a frameshift and premature protein termination (p.Val318Phefs*20). This variant was reported in an individual with autosomal dominant polycystic kidney disease (ADPKD) (Table 1A, Rossetti et al. 2007. PubMed ID: 17582161). This variant has not been reported in a large population database (gnomAD), indicating this variant is rare. Frameshift variants in PKD2 are expected to be pathogenic. This variant is interpreted as pathogenic.

NM_000297.4(PKD2):c.948del (p.Val318fs)

Gene: PKD2 (polycystin 2, transient receptor potential cation channel; plus strand). Cytogenetic location: 4q22.1.
Variant type: Deletion.
Coding change: c.948del on transcript NM_000297.4 (MANE Select); coding-DNA position 948, one base deleted (A; older notation c.948delA).
Protein change: p.Val318fs; shifts the reading frame from valine 318.
Molecular consequence: frameshift variant. On other transcripts: non-coding transcript variant (1).
Genome position (GRCh38, 1-based): chr4:88,038,355, A deleted. VCF-style (leftmost placement, unchanged base first): chr4-88038354-TA-T. GRCh37 (hg19) VCF-style: chr4-88959506-TA-T.
Other names: short protein forms V318fs.
Identifiers: ClinVar variation 3346519 (VCV003346519.2).